The following is an entry in ClinVar:

NM_006214.4(PHYH):c.92C>A (p.Ser31Ter)

Gene: PHYH (phytanoyl-CoA 2-hydroxylase; minus strand). Cytogenetic location: 10p13.
Variant type: single nucleotide variant.
Coding change: c.92C>A on transcript NM_006214.4 (MANE Select); coding-DNA position 92, C replaced by A.
Protein change: p.Ser31Ter; replaces serine 31 with a stop codon.
Molecular consequence: nonsense. On other transcripts: 5 prime UTR variant (1), intron variant (2).
Genome position (GRCh38, 1-based): chr10:13,298,229, G>T on the plus strand (C>A on the coding strand, the complement: PHYH is on the minus strand). VCF-style: chr10-13298229-G-T. GRCh37 (hg19) VCF-style: chr10-13340229-G-T.
Other names: c.-209C>A (NM_001323080.2); c.92C>A, p.Ser31Ter (NM_001323082.2, NM_001323083.2); c.-167+1191C>A (NM_001037537.2, NM_001323084.2); short protein forms S31*.
Identifiers: ClinVar variation 5003479 (VCV005003479.1).

ClinVar aggregate classification (germline): Pathogenic (1 of 4 stars; one submission).

Conditions:
Refsum disease, classic. Also called: HEREDOPATHIA ATACTICA POLYNEURITIFORMIS; HMSN IV; PHYTANIC ACID OXIDASE DEFICIENCY; PHYH-Related Refsum Disease. Identifiers: Orphanet 773, MedGen C5780941, MONDO:1060256, OMIM 266500. Disease mechanism: loss of function.

gnomAD v4.1: 1 of 1,604,724 alleles (0.000062%); highest among the groups gnomAD compares: Non-Finnish European, 0.000085%; no homozygotes.

Submission:

Myriad Genetics, Inc.
Classification: Pathogenic for Refsum disease, classic. Last evaluated: 2026-09-01. Review status: criteria provided, single submitter. Criteria: Myriad Autosomal Dominant, Autosomal Recessive and X-Linked Classification Criteria (2023). Collection method: clinical testing. Allele origin: unknown.
Comment: NM_006214.3(PHYH):c.92C>A(S31*) is a nonsense variant classified as pathogenic in the context of Refsum disease, PHYH-related. S31* has not been observed in cases with relevant disease. Relevant functional assessments of this variant are not available in the literature. S31* has been observed in referenced population frequency databases. In summary, NM_006214.3(PHYH):c.92C>A(S31*) is a nonsense variant in a gene where loss of function is a known mechanism of disease and is predicted to disrupt protein function. Please note: this variant was assessed in the context of healthy population screening.